The following is an entry in ClinVar:

ClinVar aggregate classification (germline): Pathogenic (1 of 4 stars; one submission).

Conditions:
Familial adenomatous polyposis 1 (FAP1). Also called: FAMILIAL ADENOMATOUS POLYPOSIS 1, ATTENUATED; POLYPOSIS, ADENOMATOUS INTESTINAL. Identifiers: MedGen C2713442, MONDO:0021056, OMIM 175100. Disease mechanism: loss of function.

Submission:

Labcorp Genetics (formerly Invitae), Labcorp
Classification: Pathogenic for Familial adenomatous polyposis 1. Last evaluated: 2025-08-03. Review status: criteria provided, single submitter. Criteria: Invitae Variant Classification Sherloc (09022015). Collection method: clinical testing. Allele origin: germline.
Comment: This sequence change creates a premature translational stop signal (p.Thr1185Lysfs*80) in the APC gene. While this is not anticipated to result in nonsense mediated decay, it is expected to disrupt the last 1659 amino acid(s) of the APC protein. This variant is not present in population databases (gnomAD no frequency). This variant has not been reported in the literature in individuals affected with APC-related conditions. This variant disrupts a region of the APC protein in which other variant(s) (p.Tyr2645Lysfs*14) have been determined to be pathogenic (PMID: 1316610, 8381579, 9824584, 22135120). This suggests that this is a clinically significant region of the protein, and that variants that disrupt it are likely to be disease-causing. For these reasons, this variant has been classified as Pathogenic.

Literature cited by the submitters: PubMed 1316610; PubMed 8381579; PubMed 9824584; PubMed 22135120.

NM_000038.6(APC):c.3554del (p.Thr1185fs)

Gene: APC (APC regulator of Wnt signaling pathway; plus strand). Cytogenetic location: 5q22.2.
Variant type: Deletion.
Coding change: c.3554del on transcript NM_000038.6 (MANE Select); coding-DNA position 3554, one base deleted (C; older notation c.3554delC).
Protein change: p.Thr1185fs; shifts the reading frame from threonine 1185.
Molecular consequence: frameshift variant. On other transcripts: non-coding transcript variant (2).
Genome position (GRCh38, 1-based): chr5:112,839,148, C deleted. VCF-style (leftmost placement, unchanged base first): chr5-112839147-AC-A. GRCh37 (hg19) VCF-style: chr5-112174844-AC-A.
Other names: c.3554del, p.Thr1185fs (NM_001127510.3, NM_001354895.2, NM_001407450.1); c.3500del, p.Thr1167fs (NM_001127511.3); c.3608del, p.Thr1203fs (NM_001354896.2, NM_001407447.1, NM_001407448.1 and 1 more transcripts); c.3584del, p.Thr1195fs (NM_001354897.2); c.3479del, p.Thr1160fs (NM_001354898.2); c.3470del, p.Thr1157fs (NM_001354899.2); c.3431del, p.Thr1144fs (NM_001354900.2); c.3377del, p.Thr1126fs (NM_001354901.2, NM_001407453.1); and 11 more; short protein forms T1025fs, T1084fs, T1094fs, T1160fs, T1175fs, T1203fs, T902fs, T1144fs.
Identifiers: ClinVar variation 4724695 (VCV004724695.1).